The following is an entry in ClinVar:

ClinVar aggregate classification (germline): Pathogenic (1 of 4 stars; one submission).

Conditions:
Epidermolysis bullosa, junctional 2A, intermediate. Also called: EPIDERMOLYSIS BULLOSA, JUNCTIONAL 2A, GENERALIZED INTERMEDIATE; EPIDERMOLYSIS BULLOSA, JUNCTIONAL 2A, NON-HERLITZ TYPE. Identifiers: MedGen C5676936, MONDO:0030746, OMIM 619783.
Epidermolysis bullosa, junctional 2B, severe. Also called: EPIDERMOLYSIS BULLOSA, JUNCTIONAL 2B, GENERALIZED SEVERE; EPIDERMOLYSIS BULLOSA, JUNCTIONAL 2B, HERLITZ TYPE. Identifiers: MedGen C5676937, MONDO:0030747, OMIM 619784.
Laryngo-onycho-cutaneous syndrome (JEB2C). Also called: SHABBIR SYNDROME; EPIDERMOLYSIS BULLOSA, JUNCTIONAL 2C, LARYNGOONYCHOCUTANEOUS; LOGIC SYNDROME. Identifiers: Orphanet 2407, MedGen C1328355, MONDO:0009513, OMIM 245660.

Submission:

Diagnostics Services (NGS), CSIR - Centre For Cellular And Molecular Biology
Classification: Pathogenic for Epidermolysis bullosa, junctional 2A, intermediate; Epidermolysis bullosa, junctional 2B, severe; Laryngo-onycho-cutaneous syndrome. Last evaluated: 2022-09-13. Review status: criteria provided, single submitter. Criteria: ACMG Guidelines, 2015. Collection method: clinical testing. Allele origin: unknown. Affected: yes. Observed: 1 variant allele, 1 homozygote.
Comment: The c.5121del variant is not present in publicly available population databases like 1000 Genomes, EVS, ExAC, gnomAD, Indian Exome Database or our in-house exome database. This variant has neither been published nor reported to clinical databases like OMIM, ClinVar and/or Human Genome Mutation Database (HGMD), in any affected individuals. In-silico pathogenicity prediction programs like MutationTaster2, CADD, Varsome, Franklin etc. predicted this variant to be likely deleterious. The variant causes frameshift at the 1707th amino acid position of the original transcript, creating a premature translational stop-signal at the 1748th amino acid position of the altered transcript, which either results in translation of a truncated protein or causes nonsense mediated decay of the mRNA.

NM_198129.4(LAMA3):c.5121del (p.Gln1707fs)

Gene: LAMA3 (laminin subunit alpha 3; plus strand). Cytogenetic location: 18q11.2.
Variant type: Deletion.
Coding change: c.5121del on transcript NM_198129.4 (MANE Select); coding-DNA position 5121, one base deleted (G; older notation c.5121delG).
Protein change: p.Gln1707fs; shifts the reading frame from glutamine 1707.
Molecular consequence: frameshift variant.
Genome position (GRCh38, 1-based): chr18:23,881,944, G deleted. VCF-style (leftmost placement, unchanged base first): chr18-23881943-AG-A. GRCh37 (hg19) VCF-style: chr18-21461907-AG-A.
Other names: c.294del, p.Gln98fs (NM_000227.6, NM_001127718.4); c.5121del, p.Gln1707fs (NM_001127717.4); short protein forms Q1707fs, Q98fs.
Identifiers: ClinVar variation 1802262 (VCV001802262.3), dbSNP rs2511271496, ClinGen allele CA2580095499.